The following is an entry in ClinVar:

ClinVar aggregate classification (germline): Uncertain significance. Review status: criteria provided, multiple submitters, no conflicts (2 of 4 stars). 2 submissions from 2 submitters: Uncertain significance (2). Last evaluated 2024-11-16.

Conditions:
Mosaic variegated aneuploidy syndrome 1 (MVA1). Also called: Warburton-Anyane-Yeboa syndrome. Identifiers: Orphanet 1052, MedGen C1850343, MONDO:0009759, OMIM 257300.
Inborn genetic diseases. Identifiers: MedGen C0950123, MeSH D030342.

Allele frequency attached by ClinVar (database versions not stated): TOPMed below 0.00001; ExAC 0.00001; gnomAD 0.00001; gnomAD exomes 0.00001.
gnomAD v4.1: 12 of 1,614,000 alleles (0.00074%); highest among the groups gnomAD compares: Non-Finnish European, 0.00093%; no homozygotes.

Submissions (2):

Labcorp Genetics (formerly Invitae), Labcorp
Classification: Uncertain significance for Mosaic variegated aneuploidy syndrome 1. Last evaluated: 2024-11-16. Review status: criteria provided, single submitter. Criteria: Invitae Variant Classification Sherloc (09022015). Collection method: clinical testing. Allele origin: germline.
Comment: This sequence change replaces phenylalanine, which is neutral and non-polar, with serine, which is neutral and polar, at codon 1049 of the BUB1B protein (p.Phe1049Ser). This variant is present in population databases (rs751744682, gnomAD 0.002%). This variant has not been reported in the literature in individuals affected with BUB1B-related conditions. ClinVar contains an entry for this variant (Variation ID: 1363506). An algorithm developed to predict the effect of missense changes on protein structure and function outputs the following: PolyPhen-2: "Benign". The serine amino acid residue is found in multiple mammalian species, which suggests that this missense change does not adversely affect protein function. In summary, the available evidence is currently insufficient to determine the role of this variant in disease. Therefore, it has been classified as a Variant of Uncertain Significance.

Ambry Genetics
Classification: Uncertain significance for Inborn genetic diseases. Last evaluated: 2023-11-03. Review status: criteria provided, single submitter. Criteria: Ambry Variant Classification Scheme 2023. Collection method: clinical testing. Allele origin: germline.
Comment: The p.F1049S variant (also known as c.3146T>C), located in coding exon 23 of the BUB1B gene, results from a T to C substitution at nucleotide position 3146. The phenylalanine at codon 1049 is replaced by serine, an amino acid with highly dissimilar properties. This amino acid position is conserved. In addition, this alteration is predicted to be tolerated by in silico analysis. Since supporting evidence is limited at this time, the clinical significance of this alteration remains unclear.

NM_001211.6(BUB1B):c.3146T>C (p.Phe1049Ser)

Genes: BUB1B (BUB1 mitotic checkpoint serine/threonine kinase B; plus strand), BUB1B-PAK6 (BUB1B-PAK6 readthrough; plus strand). Cytogenetic location: 15q15.1.
Variant type: single nucleotide variant.
Coding change: c.3146T>C on transcript NM_001211.6 (MANE Select); coding-DNA position 3146, T replaced by C.
Protein change: p.Phe1049Ser; replaces phenylalanine 1049 with serine.
Molecular consequence: missense variant. On other transcripts: intron variant (2).
Genome position (GRCh38, 1-based): chr15:40,220,752, T>C. VCF-style: chr15-40220752-T-C. GRCh37 (hg19) VCF-style: chr15-40512953-T-C.
Other names: c.-201+3085T>C (NM_001128628.3); c.-118+3085T>C (NM_001128629.3); short protein forms F1049S.
Identifiers: ClinVar variation 1363506 (VCV001363506.9), dbSNP rs751744682, ClinGen allele CA7476203.
Genomic context (GRCh38, chr15:40,220,752, plus strand): 5'-GTCACCTGAACAAAGCCTTATGGAAGGTAGGGAAGTTAACTAGTCCTGGGGCTTTGCTCT[T>C]TCAGTGAGCTAGGCAATCAAGTCTCACAGATTGCTGCCTCAGAGCAATGGTTGTATTGTG-3'
Protein context (NP_001202.5, residues 1039-1050): GKLTSPGALL[Phe1049Ser]Q